The following is an entry in ClinVar:

ClinVar aggregate classification (germline): Uncertain significance (1 of 4 stars; one submission).

Submission:

Labcorp Genetics (formerly Invitae), Labcorp
Classification: Uncertain significance. Last evaluated: 2023-10-07. Review status: criteria provided, single submitter. Criteria: Invitae Variant Classification Sherloc (09022015). Collection method: clinical testing. Allele origin: germline.
Comment: The OPA1 gene has multiple clinically relevant transcripts. This variant occurs in alternate transcript NM_130837.2, and corresponds to NM_015560.2:c.625-5421C>T in the primary transcript. This sequence change creates a premature translational stop signal (p.Gln260*) in the OPA1 gene. However, it is currently unclear if variants that occur in this region of the gene cause disease. This variant is not present in population databases (gnomAD no frequency). This variant has not been reported in the literature in individuals affected with OPA1-related conditions. Algorithms developed to predict the effect of sequence changes on RNA splicing suggest that this variant may disrupt the consensus splice site. In summary, the available evidence is currently insufficient to determine the role of this variant in disease. Therefore, it has been classified as a Variant of Uncertain Significance.

NM_130837.3(OPA1):c.778C>T (p.Gln260Ter)

Genes: OPA1 (OPA1 mitochondrial dynamin like GTPase; plus strand), OPA1-AS1 (OPA1 antisense RNA 1; minus strand). Cytogenetic location: 3q29.
Variant type: single nucleotide variant.
Coding change: c.778C>T on transcript NM_130837.3 (MANE Select); coding-DNA position 778, C replaced by T.
Protein change: p.Gln260Ter; replaces glutamine 260 with a stop codon.
Molecular consequence: nonsense. On other transcripts: intron variant (5).
Genome position (GRCh38, 1-based): chr3:193,626,191, C>T. VCF-style: chr3-193626191-C-T. GRCh37 (hg19) VCF-style: chr3-193343980-C-T.
Other names: c.244C>T, p.Gln82Ter (NM_001354663.2); c.616C>T, p.Gln206Ter (NM_130833.3); c.670C>T, p.Gln224Ter (NM_130835.3); c.724C>T, p.Gln242Ter (NM_130836.3); c.253-5421C>T (NM_001354664.2); c.679-5421C>T (NM_130834.3); c.625-5421C>T (NM_015560.3); c.571-5421C>T (NM_130832.3); and 1 more; short protein forms Q224*, Q260*, Q206*, Q242*, Q82*.
Identifiers: ClinVar variation 2766694 (VCV002766694.3), dbSNP rs2474698604, ClinGen allele CA355788744.
Genomic context (GRCh38, chr3:193,626,191, plus strand): 5'-CAAGAGCATGAAGAGGAAGCGCGCAGAGCCGCTGGCCAATATAGCACGAGCTATGCCCAA[C>T]AGAAGCGCAAGGTGATGGATGGTTTAAGGGGGCTACCGATACATTCACACTAATCAGCCA-3'